The following is an entry in ClinVar:

NM_001205293.3(CACNA1E):c.6625G>A (p.Glu2209Lys)

Gene: CACNA1E (calcium voltage-gated channel subunit alpha1 E; plus strand). Cytogenetic location: 1q25.3.
Variant type: single nucleotide variant.
Coding change: c.6625G>A on transcript NM_001205293.3 (MANE Select); coding-DNA position 6625, G replaced by A.
Protein change: p.Glu2209Lys; replaces glutamic acid 2209 with lysine.
Molecular consequence: missense variant.
Genome position (GRCh38, 1-based): chr1:181,798,517, G>A. VCF-style: chr1-181798517-G-A. GRCh37 (hg19) VCF-style: chr1-181767653-G-A.
Other names: c.6496G>A, p.Glu2166Lys (NM_000721.4); c.6439G>A, p.Glu2147Lys (NM_001205294.2); short protein forms E2147K, E2166K, E2209K.
Identifiers: ClinVar variation 1301484 (VCV001301484.18), dbSNP rs201030442, ClinGen allele CA1276462.
Genomic context (GRCh38, chr1:181,798,517, plus strand): 5'-AGCGAGGAGGGCTCCCCGCTGACCTCCCAAGCTCTGGAGAGCAACAATGCTTGCCTGACC[G>A]AGTCTTCCAACTCTCCGCACCCCCAGCAGAGCCAACATGCCTCCCCACAGCGCTACATCT-3'
Protein context (NP_001192222.1, residues 2199-2219): ALESNNACLT[Glu2209Lys]SSNSPHPQQS

ClinVar aggregate classification (germline): Benign/Likely benign. Review status: criteria provided, multiple submitters, no conflicts (2 of 4 stars). 5 submissions from 5 submitters: Benign (1); Likely benign (3). 1 of the submissions does not count toward it. Last evaluated 2026-01-18.

Conditions:
CACNA1E-related disorder. Also called: CACNA1E-related condition.
Developmental and epileptic encephalopathy, 69. Also called: EPILEPTIC ENCEPHALOPATHY, EARLY INFANTILE, 69. Identifiers: MedGen C4748988, MONDO:0032657, OMIM 618285.

Allele frequency attached by ClinVar (database versions not stated): ExAC 0.00005; gnomAD 0.00009; TOPMed 0.00010; 1000 Genomes Project 30x 0.00016; 1000 Genomes Project 0.00020; ESP Exome Variant Server 0.00023.
gnomAD v4.1: 265 of 1,613,838 alleles (0.016%); highest among the groups gnomAD compares: Non-Finnish European, 0.021%; no homozygotes.

Submissions (5):

Labcorp Genetics (formerly Invitae), Labcorp
Classification: Benign. Last evaluated: 2026-01-18. Review status: criteria provided, single submitter. Criteria: Invitae Variant Classification Sherloc (09022015). Collection method: clinical testing. Allele origin: germline.

CeGaT Center for Human Genetics Tuebingen
Classification: Likely benign. Last evaluated: 2025-04-01. Review status: criteria provided, single submitter. Criteria: CeGaT Center For Human Genetics Tuebingen Variant Classification Criteria Version 2. Collection method: clinical testing. Allele origin: germline. Affected: yes. Observed: 1 variant allele.
Comment: CACNA1E: BS1

Genome-Nilou Lab
Classification: Likely benign for Developmental and epileptic encephalopathy, 69. Last evaluated: 2023-04-11. Review status: criteria provided, single submitter. Criteria: ACMG Guidelines, 2015. Collection method: clinical testing. Allele origin: germline. Affected: no.

GeneDx
Classification: Likely benign. Last evaluated: 2021-04-22. Review status: criteria provided, single submitter. Criteria: GeneDx Variant Classification Process June 2021. Collection method: clinical testing. Allele origin: germline. Affected: yes.

PreventionGenetics, part of Exact Sciences
Classification: Benign for CACNA1E-related condition. Last evaluated: 2024-08-27. Review status: no assertion criteria provided. Collection method: clinical testing. Allele origin: germline. Not counted in ClinVar's aggregate classification.
Comment: This variant is classified as benign based on ACMG/AMP sequence variant interpretation guidelines (Richards et al. 2015 PMID: 25741868, with internal and published modifications).